The following is an entry in ClinVar:

ClinVar aggregate classification (germline): Pathogenic (1 of 4 stars; one submission).

Conditions:
Retinoblastoma (RB1). Also called: RETINOBLASTOMA, SOMATIC. Identifiers: Orphanet 790, MedGen C0035335, MeSH D012175, MONDO:0008380, OMIM 180200, HP:0009919. Disease mechanism: loss of function. Inheritance: Both sporadic and heritable forms are tested..

Submissions (2):

Labcorp Genetics (formerly Invitae), Labcorp
Classification: Pathogenic for Retinoblastoma. Last evaluated: 2021-01-08. Review status: criteria provided, single submitter. Criteria: Invitae Variant Classification Sherloc (09022015). Collection method: clinical testing. Allele origin: germline.
Comment: For these reasons, this variant has been classified as Pathogenic. Algorithms developed to predict the effect of sequence changes on RNA splicing suggest that this variant may disrupt the consensus splice site, but this prediction has not been confirmed by published transcriptional studies. Disruption of this spice site has been observed in individual(s) with bilateral retinoblastoma (PMID: 27582626, Invitae). This variant is not present in population databases (ExAC no frequency). This sequence change affects an acceptor splice site in intron 9 of the RB1 gene. It is expected to disrupt RNA splicing. Variants that disrupt the donor or acceptor splice site typically lead to a loss of protein function (PMID: 16199547), and loss-of-function variants in RB1 are known to be pathogenic (PMID: 17096365).

Dr. Peter K. Rogan Lab, Western University
No classification provided (evidence only). Condition: Lung cancer. Review status: no classification provided. Collection method: in vitro. Allele origin: not applicable. Functional consequence: skipped exon. Not counted in ClinVar's aggregate classification.

Literature cited by the submitters: PubMed 27582626 (cited by Labcorp Genetics (formerly Invitae), Labcorp); PubMed 16199547 (cited by Labcorp Genetics (formerly Invitae), Labcorp); PubMed 17096365 (cited by Labcorp Genetics (formerly Invitae), Labcorp).

NM_000321.3(RB1):c.940-1G>T

Gene: RB1 (RB transcriptional corepressor 1; plus strand). Cytogenetic location: 13q14.2.
Variant type: single nucleotide variant.
Coding change: c.940-1G>T on transcript NM_000321.3 (MANE Select); the canonical splice acceptor site of the intron before coding-DNA position 940, G replaced by T.
Molecular consequence: splice acceptor variant.
Genome position (GRCh38, 1-based): chr13:48,367,493, G>T. VCF-style: chr13-48367493-G-T. GRCh37 (hg19) VCF-style: chr13-48941629-G-T.
Other names: c.940-1G>T (NM_001407165.1, NM_001407166.1).
Identifiers: ClinVar variation 458188 (VCV000458188.10), dbSNP rs1131690860, ClinGen allele CA388160564.